The following is an entry in ClinVar:

NM_004539.4(NARS1):c.1600C>T (p.Arg534Ter)

Gene: NARS1 (asparaginyl-tRNA synthetase 1; minus strand). Cytogenetic location: 18q21.31.
Variant type: single nucleotide variant.
Coding change: c.1600C>T on transcript NM_004539.4 (MANE Select); coding-DNA position 1600, C replaced by T.
Protein change: p.Arg534Ter; replaces arginine 534 with a stop codon.
Molecular consequence: nonsense.
Genome position (GRCh38, 1-based): chr18:57,601,699, G>A on the plus strand (C>T on the coding strand, the complement: NARS1 is on the minus strand). VCF-style: chr18-57601699-G-A. GRCh37 (hg19) VCF-style: chr18-55268931-G-A.
Other names: NM_004539.4(NARS1):c.1600C>T; p.Arg534Ter; short protein forms R534*.
Identifiers: ClinVar variation 982711 (VCV000982711.20), dbSNP rs2051507892, ClinGen allele CA402542479.

ClinVar aggregate classification (germline): Pathogenic/Likely pathogenic. Review status: criteria provided, multiple submitters, no conflicts (2 of 4 stars). 14 submissions from 14 submitters: Pathogenic (11); Likely pathogenic (1). 2 of the submissions do not count toward it. Last evaluated 2026-03-02.

Conditions:
Developmental disorder. Identifiers: MedGen C0008073.
NARS1-related disorder. Also called: NARS1-related condition.
Neurodevelopmental disorder with microcephaly, impaired language, epilepsy, and gait abnormalities. Identifiers: MedGen C5436788, MONDO:0030837, OMIM 619092.
Neurodevelopmental disorder with microcephaly, impaired language, and gait abnormalities. Identifiers: MedGen C5436783, MONDO:0100348, OMIM 619091.
Neurodevelopmental disorder. Identifiers: MedGen C1535926, MeSH D065886, MONDO:0700092.

Submissions (14):

Broad Center for Mendelian Genomics, Broad Institute of MIT and Harvard
Classification: Likely pathogenic for Neurodevelopmental disorder with microcephaly, impaired language, epilepsy, and gait abnormalities. Last evaluated: 2026-03-02. Review status: criteria provided, single submitter. Criteria: ACMG Guidelines, 2015. Collection method: research. Allele origin: germline. Inheritance: Autosomal dominant inheritance.
Comment: Trio exome analysis showed this variant to be de novo. The p.Arg534Ter variant in NARS1 has been reported in at least 6 individuals with autosomal dominant neurodevelopmental disorder with microcephaly, impaired language, epilepsy, and gait abnormalities (PMID: 32738225), and was absent from large population studies. This variant has also been reported in ClinVar (Variation ID: 982711) and has been interpreted as pathogenic by several submitters. This variant was found to be de novo in at least 6 individuals with confirmed paternity and maternity (PMID: 32738225). In vitro functional studies provide some evidence that the p.Arg534Ter variant may impact protein function (PMID: 32738225). However, these types of assays may not accurately represent biological function. This nonsense variant leads to a premature termination codon at position 534. This alteration occurs within the last exon and is more likely to escape nonsense mediated decay (NMD) and result in a truncated protein. In summary, although additional studies are required to fully establish its clinical significance, this variant is likely pathogenic for autosomal dominant neurodevelopmental disorder with microcephaly, impaired language, epilepsy, and gait abnormalities. ACMG/AMP Criteria applied: PS2, PM4, PS3_moderate, PM2_supporting (Richards 2015).

Labcorp Genetics (formerly Invitae), Labcorp
Classification: Pathogenic. Last evaluated: 2024-12-06. Review status: criteria provided, single submitter. Criteria: Invitae Variant Classification Sherloc (09022015). Collection method: clinical testing. Allele origin: germline.
Comment: This sequence change creates a premature translational stop signal (p.Arg534*) in the NARS1 gene. While this is not anticipated to result in nonsense mediated decay, it is expected to disrupt the last 15 amino acid(s) of the NARS1 protein. This variant is not present in population databases (gnomAD no frequency). This premature translational stop signal has been observed in individual(s) with NARS1-related neurodevelopmental delay (PMID: 32738225). In at least one individual the variant was observed to be de novo. ClinVar contains an entry for this variant (Variation ID: 982711). Algorithms developed to predict the effect of variants on gene product structure and function are not available or were not evaluated for this variant. Experimental studies have shown that this premature translational stop signal affects NARS1 function (PMID: 32738225). For these reasons, this variant has been classified as Pathogenic.

Victorian Clinical Genetics Services, Murdoch Childrens Research Institute
Classification: Pathogenic for Neurodevelopmental disorder with microcephaly, impaired language, epilepsy, and gait abnormalities. Last evaluated: 2023-12-21. Review status: criteria provided, single submitter. Criteria: ACMG Guidelines, 2015. Collection method: clinical testing. Allele origin: germline. Inheritance: Autosomal dominant inheritance. Affected: yes.
Comment: Based on the classification scheme VCGS_Germline_v1.3.4, this variant is classified as Pathogenic. Following criteria are met: 0102 - Loss of function is a known mechanism of disease in this gene and is associated with recessive neurodevelopmental disorder with microcephaly, impaired language, and gait abnormalities (NEDMILG; MIM#619091). While the mechanism of dominant neurodevelopmental disorder with microcephaly, impaired language, epilepsy, and gait abnormalities (NEDMILEG; MIM#619092) is uncertain, toxic gain of function or dominant negative have been suggested (PMID: 32738225). (I) 0108 - This gene is associated with both recessive and dominant disease (OMIM, PMID: 32738225). (I) 0205 - Variant is predicted to result in a truncated protein (premature termination codon is NOT located at least 54 nucleotides upstream of the final exon-exon junction) with less than 1/3 of the protein sequence affected. (SP) 0251 - This variant is heterozygous. (I) 0301 - Variant is absent from gnomAD (both v2 and v3). (SP) 0600 - Variant affects part of the annotated tRNA synthetases class II (D, K and N) domain (DECIPHER). (I) 0801 - This variant has strong previous evidence of pathogenicity in unrelated individuals. This variant has been reported multiple times as de novo and pathogenic, observed in individuals with microcephaly, neurodevelopmental delay, seizures, peripheral neuropathy and ataxia (PMID: 32738225, ClinVar). (SP) Legend: (SP) - Supporting pathogenic, (I) - Information, (SB) - Supporting benign

3billion
Classification: Pathogenic for Neurodevelopmental disorder with microcephaly, impaired language, epilepsy, and gait abnormalities. Last evaluated: 2023-08-25. Review status: criteria provided, single submitter. Criteria: ACMG Guidelines, 2015. Collection method: clinical testing. Allele origin: germline. Affected: yes.
Comment: The variant is not observed in the gnomAD v2.1.1 dataset. Predicted Consequence/Location: Stop-gained (nonsense): predicted to result in a loss or disruption of normal protein function through protein truncation. Multiple pathogenic variants are reported in the predicted truncated region. Functional studies provide strong evidence of the variant having a damaging effect on the gene or gene product (PMID: 32738225). The variant has been previously reported as de novo in a similarly affected individual (PMID: 32738225, 32738225) and observed in multiple (>3) similarly affected unrelated individuals (PMID: 32738225). The variant has been reported at least twice as pathogenic with clinical assertions and evidence for the classification (ClinVar ID: VCV000982711). Therefore, this variant is classified as Pathogenic according to the recommendation of ACMG/AMP guideline.

Laboratory for Molecular Medicine, Mass General Brigham Personalized Medicine
Classification: Pathogenic for Neurodevelopmental disorder. Last evaluated: 2023-08-22. Review status: criteria provided, single submitter. Criteria: ACMG Guidelines, 2015. Collection method: clinical testing. Allele origin: germline. Inheritance: Autosomal dominant inheritance.
Comment: The p.Arg534X (c.1600C>T) variant in NARS1 has been reported de novo in 6 unrelated individuals with neurodevelopmental disorder with microcephaly, impaired language, epilepsy, and gait abnormalities (Manole 2020 PMID: 32738225). The alteration was absent from large population studies. This variant has been reported in ClinVar (Variation ID 982711) by multiple submitters. This nonsense variant leads to a premature termination codon at position 534. This alteration occurs within the last exon and is, therefore, likely to escape nonsense mediated decay (NMD) and result in a truncated protein. The truncation is predicted to disrupt the catalytic domain of NARS1 (Manole 2020 PMID: 32738225). In vitro functional studies demonstrate decreased enzymatic activity in proband-derived cells, and a zebrafish model of the variant exhibits a dominant negative effect causing cyclopia and gastrulation defects (Manole 2020 PMID: 32738225). In summary, this variant meets criteria to be classified as pathogenic for autosomal dominant neurodevelopmental disorder with microcephaly, impaired language, epilepsy, and gait abnormalities. ACMG/AMP Criteria applied: PM6_Strong, PS4, PM4, PM1, PM2_Supporting, PS3_Supporting.

Variantyx, Inc.
Classification: Pathogenic for Neurodevelopmental disorder with microcephaly, impaired language, epilepsy, and gait abnormalities. Last evaluated: 2022-11-07. Review status: criteria provided, single submitter. Criteria: Variantyx Assertion Criteria 2022. Collection method: clinical testing. Allele origin: de novo. Inheritance: Autosomal dominant inheritance. Affected: yes.
Comment: This is a nonsense variant in the NARS1 gene (OMIM 108410). Heterozygous pathogenic variants in this gene have been associated with autosomal dominant neurodevelopmental disorder with microcephaly, impaired language, epilepsy, and gait abnormalities (NEDMILEG). This variant has been reported as de novo in the heterozygous state in multiple unrelated affected individuals (PMID: 32738225) (PS4). In vitro and in vivo functional studies have shown that this variant results in a truncated protein (lacking the last 14 amino acids) with a gain-of-function effect (PMID: 32738225) (PS3; PM4). This variant is absent from control populations (PM2_Supporting). Based on the current evidence, this variant is classified as pathogenic for autosomal dominant NEDMILEG.

Blueprint Genetics
Classification: Pathogenic for NARS1-related disorders. Last evaluated: 2022-06-13. Review status: criteria provided, single submitter. Criteria: ACMG Guidelines, 2015. Collection method: clinical testing. Allele origin: de novo. Affected: yes. Observed: 1 variant allele.

Clinical Genetics Laboratory, Skane University Hospital Lund
Classification: Pathogenic. Last evaluated: 2022-05-27. Review status: criteria provided, single submitter. Criteria: ACMG Guidelines, 2015. Collection method: clinical testing. Allele origin: germline. Affected: yes.

Department of Genetics, Rouen University Hospital, Normandy Center for Genomic and Personalized Medicine
Classification: Pathogenic for Developmental disorder. Last evaluated: 2022-03-15. Review status: criteria provided, single submitter. Criteria: ACMG Guidelines, 2015. Collection method: clinical testing. Allele origin: de novo. Affected: yes.

SIB Swiss Institute of Bioinformatics
Classification: Pathogenic for Neurodevelopmental disorder with microcephaly, impaired language, epilepsy, and gait abnormalities. Last evaluated: 2021-05-10. Review status: criteria provided, single submitter. Criteria: ACMG Guidelines, 2015. Collection method: curation. Allele origin: unknown.
Comment: This variant is interpreted as pathogenic for Neurodevelopmental disorder with microcephaly, impaired language, epilepsy, and gait abnormalities, autosomal dominant. The following ACMG Tag(s) were applied: Absent from controls (or at extremely low frequency if recessive) in Exome Sequencing Project, 1000 Genomes Project, or Exome Aggregation Consortium (PM2); Assumed de novo, but no confirmation of paternity and maternity (PM6 upgraded to very strong); Well-established functional studies show a deleterious effect (PS3 dowgraded to moderate).

Institute of Human Genetics, University of Leipzig Medical Center
Classification: Pathogenic for Neurodevelopmental disorder. Last evaluated: 2019-01-01. Review status: criteria provided, single submitter. Criteria: ACMG Guidelines, 2015. Collection method: clinical testing. Allele origin: unknown. Affected: yes.

Centre de Biologie Pathologie Génétique, Centre Hospitalier Universitaire de Lille
Classification: Pathogenic for Neurodevelopmental disorder with microcephaly, impaired language, and gait abnormalities. Review status: criteria provided, single submitter. Criteria: ACMG Guidelines, 2015. Collection method: clinical testing. Allele origin: de novo. Affected: yes.

Solve-RD Consortium
Classification: Likely pathogenic for Neurodevelopmental disorder with microcephaly, impaired language, epilepsy, and gait abnormalities. Last evaluated: 2022-06-01. Review status: no assertion criteria provided. Collection method: provider interpretation. Allele origin: inherited. Affected: yes. Not counted in ClinVar's aggregate classification.
Comment: Variant confirmed as disease-causing by referring clinical team

Variant identified during reanalysis of unsolved cases by the Solve-RD project. The Solve-RD project has received funding from the European Union’s Horizon 2020 research and innovation programme under grant agreement No 779257.

OMIM
Classification: Pathogenic for NEURODEVELOPMENTAL DISORDER WITH MICROCEPHALY, IMPAIRED LANGUAGE, EPILEPSY, AND GAIT ABNORMALITIES. Last evaluated: 2020-11-18. Review status: no assertion criteria provided. Collection method: literature only. Allele origin: germline. Not counted in ClinVar's aggregate classification.

Literature cited by the submitters: PubMed 32738225 (cited by 8 submitters); PubMed 39825153 (cited by Solve-RD Consortium).